The following is an entry in ClinVar:

NM_014989.7(RIMS1):c.3464C>G (p.Ala1155Gly)

Gene: RIMS1 (regulating synaptic membrane exocytosis 1; plus strand). Cytogenetic location: 6q13.
Variant type: single nucleotide variant.
Coding change: c.3464C>G on transcript NM_014989.7 (MANE Select); coding-DNA position 3464, C replaced by G.
Protein change: p.Ala1155Gly; replaces alanine 1155 with glycine.
Molecular consequence: missense variant. On other transcripts: intron variant (58).
Genome position (GRCh38, 1-based): chr6:72,274,414, C>G. VCF-style: chr6-72274414-C-G. GRCh37 (hg19) VCF-style: chr6-72984117-C-G.
Other names: c.1691C>G, p.Ala564Gly (NM_001350415.2, NM_001350445.2); c.1694C>G, p.Ala565Gly (NM_001350433.2); c.1628C>G, p.Ala543Gly (NM_001350435.2); c.1622C>G, p.Ala541Gly (NM_001350437.2); c.1559+8365C>G (NM_001350428.2, NM_001350459.2, NM_001350424.2 and 1 more transcripts); c.1556+8365C>G (NM_001350430.2, NM_001350421.2, NM_001350450.2); c.1706+8365C>G (NM_001350458.2); c.1628+8365C>G (NM_001350446.2, NM_001350442.2, NM_001350416.2 and 7 more transcripts); and 20 more; short protein forms A1155G, A541G, A543G, A564G, A565G.
Identifiers: ClinVar variation 3613822 (VCV003613822.2).

ClinVar aggregate classification (germline): Uncertain significance (1 of 4 stars; one submission).

gnomAD v4.1: 3 of 1,612,748 alleles (0.00019%); highest among the groups gnomAD compares: East Asian, 0.0045%; no homozygotes.

Submission:

Labcorp Genetics (formerly Invitae), Labcorp
Classification: Uncertain significance. Last evaluated: 2025-01-29. Review status: criteria provided, single submitter. Criteria: Invitae Variant Classification Sherloc (09022015). Collection method: clinical testing. Allele origin: germline.
Comment: This sequence change replaces alanine, which is neutral and non-polar, with glycine, which is neutral and non-polar, at codon 1155 of the RIMS1 protein (p.Ala1155Gly). This variant is present in population databases (no rsID available, gnomAD 0.006%). This variant has not been reported in the literature in individuals affected with RIMS1-related conditions. An algorithm developed to predict the effect of missense changes on protein structure and function (PolyPhen-2) suggests that this variant is likely to be disruptive. In summary, the available evidence is currently insufficient to determine the role of this variant in disease. Therefore, it has been classified as a Variant of Uncertain Significance.